The following is an entry in ClinVar:

NM_016203.4(PRKAG2):c.358C>T (p.Arg120Cys)

Gene: PRKAG2 (protein kinase AMP-activated non-catalytic subunit gamma 2; minus strand). Cytogenetic location: 7q36.1.
Variant type: single nucleotide variant.
Coding change: c.358C>T on transcript NM_016203.4 (MANE Select); coding-DNA position 358, C replaced by T.
Protein change: p.Arg120Cys; replaces arginine 120 with cysteine.
Molecular consequence: missense variant.
Genome position (GRCh38, 1-based): chr7:151,781,260, G>A on the plus strand (C>T on the coding strand, the complement: PRKAG2 is on the minus strand). VCF-style: chr7-151781260-G-A. GRCh37 (hg19) VCF-style: chr7-151478346-G-A.
Other names: p.Arg120Cys; c.226C>T, p.Arg76Cys (NM_001040633.2); short protein forms R120C, R76C.
Identifiers: ClinVar variation 935090 (VCV000935090.15), dbSNP rs763144065, ClinGen allele CA056893.
Genomic context (GRCh38, chr7:151,781,260, plus strand): 5'-GGTTGGAGTTGGGGGAAGACTCTTTGGAGGAGGAGCGGAAGATCCCACTGAAGCTCATGC[G>A]TCGAGGGGAGCGTGGCGGGGACTCCTGGTAGGAGAACGGGAACACGGTTTTGGGAGAGCC-3'
Protein context (NP_057287.2, residues 110-130): YQESPPRSPR[Arg120Cys]MSFSGIFRSS

ClinVar aggregate classification (germline): Uncertain significance. Review status: criteria provided, multiple submitters, no conflicts (2 of 4 stars). 5 submissions from 5 submitters: Uncertain significance (5). Last evaluated 2025-09-23.

Conditions:
Cardiovascular phenotype. Identifiers: MedGen CN230736.
Lethal congenital glycogen storage disease of heart. Also called: PHOSPHORYLASE KINASE DEFICIENCY OF HEART; GLYCOGEN STORAGE DISEASE OF HEART. Identifiers: Orphanet 439854, MedGen C1849813, MONDO:0009867, OMIM 261740.
Cardiomyopathy (CMYO). Also called: Cardiomyopathies. Identifiers: Orphanet 167848, MedGen C0878544, MONDO:0004994, HP:0001638. Inheritance: Various modes of inheritance.
Hypertrophic cardiomyopathy. Also called: HYPERTROPHIC MYOCARDIOPATHY. Identifiers: Orphanet 217569, MedGen C0007194, MeSH D002312, MONDO:0005045, HP:0001639.

Allele frequency attached by ClinVar (database versions not stated): gnomAD exomes below 0.00001 and 0.00001; ExAC 0.00001; TOPMed 0.00002.
gnomAD v4.1: 16 of 1,614,126 alleles (0.00099%); highest among the groups gnomAD compares: Middle Eastern, 0.016%; no homozygotes.

Submissions (5):

Labcorp Genetics (formerly Invitae), Labcorp
Classification: Uncertain significance for Lethal congenital glycogen storage disease of heart. Last evaluated: 2025-09-23. Review status: criteria provided, single submitter. Criteria: Invitae Variant Classification Sherloc (09022015). Collection method: clinical testing. Allele origin: germline.
Comment: This sequence change replaces arginine, which is basic and polar, with cysteine, which is neutral and slightly polar, at codon 120 of the PRKAG2 protein (p.Arg120Cys). This variant is present in population databases (rs763144065, gnomAD 0.006%). This variant has not been reported in the literature in individuals affected with PRKAG2-related conditions. ClinVar contains an entry for this variant (Variation ID: 935090). Invitae Evidence Modeling of protein sequence and biophysical properties (such as structural, functional, and spatial information, amino acid conservation, physicochemical variation, residue mobility, and thermodynamic stability) has been performed for this missense variant. However, the output from this modeling did not meet the statistical confidence thresholds required to predict the impact of this variant on PRKAG2 protein function. In summary, the available evidence is currently insufficient to determine the role of this variant in disease. Therefore, it has been classified as a Variant of Uncertain Significance.

All of Us Research Program, National Institutes of Health
Classification: Uncertain significance for Hypertrophic cardiomyopathy. Last evaluated: 2024-09-27. Review status: criteria provided, single submitter. Criteria: ACMG Guidelines, 2015. Collection method: clinical testing. Allele origin: germline. Inheritance: Autosomal dominant inheritance. Observed: 9 variant alleles, 9 heterozygotes.
Comment: This missense variant replaces arginine with cysteine at codon 120 of the PRKAG2 protein. Computational prediction is inconclusive regarding the impact of this variant on protein structure and function (internally defined REVEL score threshold 0.5 < inconclusive < 0.7, PMID: 27666373). To our knowledge, functional studies have not been reported for this variant. This variant has not been reported in individuals affected with PRKAG2-related disorders in the literature. This variant has been identified in 1/251214 chromosomes in the general population by the Genome Aggregation Database (gnomAD). The available evidence is insufficient to determine the role of this variant in disease conclusively. Therefore, this variant is classified as a Variant of Uncertain Significance.

This study involves interpretation of variants in research participants for the purpose of population health screening. Participant phenotype was not available at the time of variant classification. Additional details can be found in publication PMID: 35346344, PMCID: PMC8962531

Color Diagnostics, LLC DBA Color Health
Classification: Uncertain significance for Cardiomyopathy. Last evaluated: 2024-03-06. Review status: criteria provided, single submitter. Criteria: ACMG Guidelines, 2015. Collection method: clinical testing. Allele origin: germline.
Comment: This missense variant replaces arginine with cysteine at codon 120 of the PRKAG2 protein. Computational prediction is inconclusive regarding the impact of this variant on protein structure and function (internally defined REVEL score threshold 0.5 < inconclusive < 0.7, PMID: 27666373). To our knowledge, functional studies have not been reported for this variant. This variant has not been reported in individuals affected with PRKAG2-related disorders in the literature. This variant has been identified in 1/251214 chromosomes in the general population by the Genome Aggregation Database (gnomAD). The available evidence is insufficient to determine the role of this variant in disease conclusively. Therefore, this variant is classified as a Variant of Uncertain Significance.

Ambry Genetics
Classification: Uncertain significance for Cardiovascular phenotype. Last evaluated: 2023-09-30. Review status: criteria provided, single submitter. Criteria: Ambry Variant Classification Scheme 2023. Collection method: clinical testing. Allele origin: germline.
Comment: The p.R120C variant (also known as c.358C>T), located in coding exon 3 of the PRKAG2 gene, results from a C to T substitution at nucleotide position 358. The arginine at codon 120 is replaced by cysteine, an amino acid with highly dissimilar properties. This amino acid position is conserved. In addition, this alteration is predicted to be deleterious by in silico analysis. Since supporting evidence is limited at this time, the clinical significance of this alteration remains unclear.

Mayo Clinic Laboratories, Mayo Clinic
Classification: Uncertain significance. Last evaluated: 2023-03-27. Review status: criteria provided, single submitter. Criteria: ACMG Guidelines, 2015. Collection method: clinical testing. Allele origin: germline. Observed: 1 variant allele.